The following is an entry in ClinVar:

NM_001277115.2(DNAH11):c.3045G>T (p.Glu1015Asp)

Genes: DNAH11 (dynein axonemal heavy chain 11; plus strand), LOC126859961 (BRD4-independent group 4 enhancer GRCh37_chr7:21639662-21640861; plus strand). Cytogenetic location: 7p15.3.
Variant type: single nucleotide variant.
Coding change: c.3045G>T on transcript NM_001277115.2 (MANE Select); coding-DNA position 3045, G replaced by T.
Protein change: p.Glu1015Asp; replaces glutamic acid 1015 with aspartic acid.
Molecular consequence: missense variant.
Genome position (GRCh38, 1-based): chr7:21,600,720, G>T. VCF-style: chr7-21600720-G-T. GRCh37 (hg19) VCF-style: chr7-21640338-G-T.
Other names: short protein forms E1015D.
Identifiers: ClinVar variation 238905 (VCV000238905.41), dbSNP rs72657303, ClinGen allele CA4179519.

ClinVar aggregate classification (germline): Benign/Likely benign. Review status: criteria provided, multiple submitters, no conflicts (2 of 4 stars). 7 submissions from 7 submitters: Benign (1); Likely benign (6). Last evaluated 2026-08-01.

Conditions:
Primary ciliary dyskinesia. Also called: Ciliary dyskinesia. Identifiers: Orphanet 244, MedGen C0008780, MONDO:0016575, HP:0012265.
Primary ciliary dyskinesia 7. Also called: CILIARY DYSKINESIA, PRIMARY, 7, WITH OR WITHOUT SITUS INVERSUS. Identifiers: Orphanet 244, MedGen C2678473, MONDO:0012748, OMIM 611884.

Allele frequency attached by ClinVar (database versions not stated): 1000 Genomes Project 0.00020; 1000 Genomes Project 30x 0.00031; TOPMed 0.00286; gnomAD 0.00300 and 0.00308; gnomAD exomes 0.00300; ExAC 0.00333; ESP Exome Variant Server 0.00399.
gnomAD v4.1: 6,857 of 1,613,798 alleles (0.42%); highest among the groups gnomAD compares: Non-Finnish European, 0.54%; 22 homozygotes.

Submissions (7):

CeGaT Center for Human Genetics Tuebingen
Classification: Likely benign. Last evaluated: 2026-08-01. Review status: criteria provided, single submitter. Criteria: CeGaT Center For Human Genetics Tuebingen Variant Classification Criteria Version 2. Collection method: clinical testing. Allele origin: germline. Affected: yes. Observed: 15 variant alleles.
Comment: DNAH11: BP4, BS2

Labcorp Genetics (formerly Invitae), Labcorp
Classification: Benign for Primary ciliary dyskinesia. Last evaluated: 2026-02-01. Review status: criteria provided, single submitter. Criteria: Invitae Variant Classification Sherloc (09022015). Collection method: clinical testing. Allele origin: germline.

Blueprint Genetics
Classification: Likely benign. Last evaluated: 2024-11-25. Review status: criteria provided, single submitter. Criteria: ACMG Guidelines, 2015. Collection method: clinical testing. Allele origin: germline.

Fulgent Genetics
Classification: Likely benign for Primary ciliary dyskinesia 7. Last evaluated: 2022-04-21. Review status: criteria provided, single submitter. Criteria: ACMG Guidelines, 2015. Collection method: clinical testing. Allele origin: unknown.

GeneDx
Classification: Likely benign. Last evaluated: 2021-02-15. Review status: criteria provided, single submitter. Criteria: GeneDx Variant Classification Process June 2021. Collection method: clinical testing. Allele origin: germline. Affected: yes.
Comment: This variant is associated with the following publications: (PMID: 32859249)

Breakthrough Genomics
Classification: Likely benign. Review status: criteria provided, single submitter. Criteria: ACMG Guidelines, 2015. Collection method: not provided. Allele origin: germline. Inheritance: Autosomal recessive inheritance. Affected: yes.

PreventionGenetics, part of Exact Sciences
Classification: Likely benign. Review status: criteria provided, single submitter. Criteria: ACMG Guidelines, 2015. Collection method: clinical testing. Allele origin: germline.